The following is an entry in ClinVar:

ClinVar aggregate classification (germline): Uncertain significance (1 of 4 stars; one submission).

Allele frequency attached by ClinVar (database versions not stated): gnomAD exomes below 0.00001.
gnomAD v4.1: 2 of 1,612,894 alleles (0.00012%); highest among the groups gnomAD compares: African/African-American, 0.0027%; no homozygotes.

Submission:

Labcorp Genetics (formerly Invitae), Labcorp
Classification: Uncertain significance. Last evaluated: 2022-11-03. Review status: criteria provided, single submitter. Criteria: Invitae Variant Classification Sherloc (09022015). Collection method: clinical testing. Allele origin: germline.
Comment: Advanced modeling of protein sequence and biophysical properties (such as structural, functional, and spatial information, amino acid conservation, physicochemical variation, residue mobility, and thermodynamic stability) performed at Invitae indicates that this missense variant is not expected to disrupt USH2A protein function. This variant is present in population databases (no rsID available, gnomAD 0.007%). This variant has not been reported in the literature in individuals affected with USH2A-related conditions. ClinVar contains an entry for this variant (Variation ID: 1516154). In summary, the available evidence is currently insufficient to determine the role of this variant in disease. Therefore, it has been classified as a Variant of Uncertain Significance. This sequence change replaces methionine, which is neutral and non-polar, with valine, which is neutral and non-polar, at codon 2180 of the USH2A protein (p.Met2180Val).

NM_206933.4(USH2A):c.6538A>G (p.Met2180Val)

Gene: USH2A (usherin; minus strand). Cytogenetic location: 1q41.
Variant type: single nucleotide variant.
Coding change: c.6538A>G on transcript NM_206933.4 (MANE Select); coding-DNA position 6538, A replaced by G.
Protein change: p.Met2180Val; replaces methionine 2180 with valine.
Molecular consequence: missense variant.
Genome position (GRCh38, 1-based): chr1:215,999,006, T>C on the plus strand (A>G on the coding strand, the complement: USH2A is on the minus strand). VCF-style: chr1-215999006-T-C. GRCh37 (hg19) VCF-style: chr1-216172348-T-C.
Other names: short protein forms M2180V.
Identifiers: ClinVar variation 1516154 (VCV001516154.8), dbSNP rs1433870940, ClinGen allele CA344861364.